The following is an entry in ClinVar:

ClinVar aggregate classification (germline): Uncertain significance. Review status: criteria provided, multiple submitters, no conflicts (2 of 4 stars). 3 submissions from 3 submitters: Uncertain significance (3). Last evaluated 2025-05-19.

Conditions:
Inborn genetic diseases. Identifiers: MedGen C0950123, MeSH D030342.
Saldino-Mainzer syndrome (SRTD9). Also called: Renal dysplasia, retinal pigmentary dystrophy, cerebellar ataxia and skeletal dysplasia; SHORT-RIB THORACIC DYSPLASIA 9 WITHOUT POLYDACTYLY; CONORENAL SYNDROME; short-rib thoracic dysplasia 9 with or without polydactyly. Identifiers: Orphanet 140969, MedGen C1849437, MONDO:0009964, OMIM 266920.

gnomAD v4.1: 3 of 1,613,910 alleles (0.00019%); highest among the groups gnomAD compares: Admixed American, 0.0033%; no homozygotes.

Submissions (3):

Labcorp Genetics (formerly Invitae), Labcorp
Classification: Uncertain significance for Saldino-Mainzer syndrome. Last evaluated: 2025-05-19. Review status: criteria provided, single submitter. Criteria: Invitae Variant Classification Sherloc (09022015). Collection method: clinical testing. Allele origin: germline.
Comment: This sequence change replaces isoleucine, which is neutral and non-polar, with methionine, which is neutral and non-polar, at codon 283 of the IFT140 protein (p.Ile283Met). This variant is present in population databases (rs563162000, gnomAD 0.003%). This variant has not been reported in the literature in individuals affected with IFT140-related conditions. ClinVar contains an entry for this variant (Variation ID: 954648). Invitae Evidence Modeling of protein sequence and biophysical properties (such as structural, functional, and spatial information, amino acid conservation, physicochemical variation, residue mobility, and thermodynamic stability) indicates that this missense variant is not expected to disrupt IFT140 protein function with a negative predictive value of 95%. In summary, the available evidence is currently insufficient to determine the role of this variant in disease. Therefore, it has been classified as a Variant of Uncertain Significance.

Blueprint Genetics
Classification: Uncertain significance. Last evaluated: 2022-07-26. Review status: criteria provided, single submitter. Criteria: ACMG Guidelines, 2015. Collection method: clinical testing. Allele origin: germline.

Ambry Genetics
Classification: Uncertain significance for Inborn genetic diseases. Last evaluated: 2021-08-28. Review status: criteria provided, single submitter. Criteria: Ambry Variant Classification Scheme 2023. Collection method: clinical testing. Allele origin: germline.

NM_014714.4(IFT140):c.849C>G (p.Ile283Met)

Genes: IFT140 (intraflagellar transport 140; minus strand), LOC105371046 (uncharacterized LOC105371046; plus strand). Cytogenetic location: 16p13.3.
Variant type: single nucleotide variant.
Coding change: c.849C>G on transcript NM_014714.4 (MANE Select); coding-DNA position 849, C replaced by G.
Protein change: p.Ile283Met; replaces isoleucine 283 with methionine.
Molecular consequence: missense variant.
Genome position (GRCh38, 1-based): chr16:1,587,986, G>C on the plus strand (C>G on the coding strand, the complement: IFT140 is on the minus strand). VCF-style: chr16-1587986-G-C. GRCh37 (hg19) VCF-style: chr16-1637987-G-C.
Other names: short protein forms I283M.
Identifiers: ClinVar variation 954648 (VCV000954648.9), dbSNP rs563162000, ClinGen allele CA7814533.